The following is an entry in ClinVar:

NM_020461.4(TUBGCP6):c.4253A>C (p.Tyr1418Ser)

Gene: TUBGCP6 (tubulin gamma complex component 6; minus strand). Cytogenetic location: 22q13.33.
Variant type: single nucleotide variant.
Coding change: c.4253A>C on transcript NM_020461.4 (MANE Select); coding-DNA position 4253, A replaced by C.
Protein change: p.Tyr1418Ser; replaces tyrosine 1418 with serine.
Molecular consequence: missense variant.
Genome position (GRCh38, 1-based): chr22:50,219,706, T>G on the plus strand (A>C on the coding strand, the complement: TUBGCP6 is on the minus strand). VCF-style: chr22-50219706-T-G. GRCh37 (hg19) VCF-style: chr22-50658135-T-G.
Other names: short protein forms Y1418S.
Identifiers: ClinVar variation 942406 (VCV000942406.8), dbSNP rs200427761, ClinGen allele CA10307606.
Genomic context (GRCh38, chr22:50,219,706, plus strand): 5'-ATGGACTCGTAACTGTCCGGGTACCGCTCCAAGTGGTACTGCCCTGCCAGGCCTGCCAGG[T>G]AGGCCTGCTCCCCACCCTGAGCCTCCGCCGCCGATGCCTCCGCCTCCTCACCACGGCCTG-3'
Protein context (NP_065194.3, residues 1408-1428): AAEAQGGEQA[Tyr1418Ser]LAGLAGQYHL

ClinVar aggregate classification (germline): Conflicting classifications of pathogenicity. Review status: criteria provided, conflicting classifications (1 of 4 stars). 3 submissions from 3 submitters: Uncertain significance (2); Likely benign (1). Last evaluated 2022-05-05.

Conditions:
Inborn genetic diseases. Identifiers: MedGen C0950123, MeSH D030342.

Allele frequency attached by ClinVar (database versions not stated): gnomAD 0.00003 and 0.00004; TOPMed 0.00003; ExAC 0.00044.
gnomAD v4.1: 123 of 1,613,514 alleles (0.0076%); highest among the groups gnomAD compares: Non-Finnish European, 0.0077%; no homozygotes.

Submissions (3):

Ambry Genetics
Classification: Likely benign for Inborn genetic diseases. Last evaluated: 2022-05-05. Review status: criteria provided, single submitter. Criteria: Ambry Variant Classification Scheme 2023. Collection method: clinical testing. Allele origin: germline.

Blueprint Genetics
Classification: Uncertain significance. Last evaluated: 2022-04-08. Review status: criteria provided, single submitter. Criteria: ACMG Guidelines, 2015. Collection method: clinical testing. Allele origin: germline.

Labcorp Genetics (formerly Invitae), Labcorp
Classification: Uncertain significance. Last evaluated: 2021-09-01. Review status: criteria provided, single submitter. Criteria: Invitae Variant Classification Sherloc (09022015). Collection method: clinical testing. Allele origin: germline.
Comment: This sequence change replaces tyrosine with serine at codon 1418 of the TUBGCP6 protein (p.Tyr1418Ser). The tyrosine residue is moderately conserved and there is a large physicochemical difference between tyrosine and serine. This variant is present in population databases (rs200427761, ExAC 0.08%). This variant has not been reported in the literature in individuals affected with TUBGCP6-related conditions. Algorithms developed to predict the effect of missense changes on protein structure and function are either unavailable or do not agree on the potential impact of this missense change (SIFT: "Deleterious"; PolyPhen-2: "Probably Damaging"; Align-GVGD: "Class C0"). In summary, the available evidence is currently insufficient to determine the role of this variant in disease. Therefore, it has been classified as a Variant of Uncertain Significance.